The following is an entry in ClinVar:

NM_001001331.4(ATP2B2):c.1409C>T (p.Ser470Leu)

Gene: ATP2B2 (ATPase plasma membrane Ca2+ transporting 2; minus strand). Cytogenetic location: 3p25.3.
Variant type: single nucleotide variant.
Coding change: c.1409C>T on transcript NM_001001331.4 (MANE Select); coding-DNA position 1409, C replaced by T.
Protein change: p.Ser470Leu; replaces serine 470 with leucine.
Molecular consequence: missense variant.
Genome position (GRCh38, 1-based): chr3:10,375,437, G>A on the plus strand (C>T on the coding strand, the complement: ATP2B2 is on the minus strand). VCF-style: chr3-10375437-G-A. GRCh37 (hg19) VCF-style: chr3-10417121-G-A.
Other names: c.1274C>T, p.Ser425Leu (NM_001683.5, NM_001330611.3, NM_001353564.1 and 1 more transcripts); short protein forms S425L, S470L.
Identifiers: ClinVar variation 3766304 (VCV003766304.1).

ClinVar aggregate classification (germline): Uncertain significance (1 of 4 stars; one submission).

Submission:

GeneDx
Classification: Uncertain significance. Last evaluated: 2024-08-30. Review status: criteria provided, single submitter. Criteria: GeneDx Variant Classification Process June 2021. Collection method: clinical testing. Allele origin: germline. Affected: yes.
Comment: Not observed at significant frequency in large population cohorts (gnomAD); In silico analysis supports that this missense variant has a deleterious effect on protein structure/function; Has not been previously published as pathogenic or benign to our knowledge